The following is an entry in ClinVar:

ClinVar aggregate classification (germline): Conflicting classifications of pathogenicity. Review status: criteria provided, conflicting classifications (1 of 4 stars). 4 submissions from 4 submitters: Uncertain significance (3); Likely benign (1). Last evaluated 2023-11-24.

Conditions:
Hereditary cancer-predisposing syndrome. Also called: Hereditary neoplastic syndrome; Neoplastic Syndromes, Hereditary; Hereditary Cancer Syndrome; Tumor predisposition. Identifiers: Orphanet 140162, MedGen C0027672, MeSH D009386, MONDO:0015356.
Hereditary breast ovarian cancer syndrome. Also called: Hereditary breast and ovarian cancer syndrome (HBOC); BRCA1- and BRCA2-Associated Hereditary Breast and Ovarian Cancer; Breast and ovarian cancer; Hereditary breast and/or ovarian cancer syndrome; Hereditary breast and ovarian cancer; Hereditary breast and ovarian cancer syndrome. Identifiers: Orphanet 145, MedGen C0677776, MeSH D061325, MONDO:0003582. Disease mechanism: loss of function.

Submissions (4):

Blueprint Genetics
Classification: Uncertain significance. Last evaluated: 2023-11-24. Review status: criteria provided, single submitter. Criteria: ACMG Guidelines, 2015. Collection method: clinical testing. Allele origin: germline.

University of Washington Department of Laboratory Medicine, University of Washington
Classification: Likely benign for Hereditary cancer-predisposing syndrome. Last evaluated: 2023-03-23. Review status: criteria provided, single submitter. Criteria: Dines et al. (Genet Med. 2020). Collection method: curation. Allele origin: germline.
Comment: Missense variant in a coldspot region where missense variants are very unlikely to be pathogenic (PMID:31911673).

BRCA2 exon 11 coldspot. Reclassification based on statistical prior probability.

Labcorp Genetics (formerly Invitae), Labcorp
Classification: Uncertain significance for Hereditary breast ovarian cancer syndrome. Last evaluated: 2022-03-19. Review status: criteria provided, single submitter. Criteria: Invitae Variant Classification Sherloc (09022015). Collection method: clinical testing. Allele origin: germline.
Comment: This sequence change replaces glutamic acid, which is acidic and polar, with glutamine, which is neutral and polar, at codon 1183 of the BRCA2 protein (p.Glu1183Gln). In summary, the available evidence is currently insufficient to determine the role of this variant in disease. Therefore, it has been classified as a Variant of Uncertain Significance. Advanced modeling of protein sequence and biophysical properties (such as structural, functional, and spatial information, amino acid conservation, physicochemical variation, residue mobility, and thermodynamic stability) performed at Invitae indicates that this missense variant is not expected to disrupt BRCA2 protein function. ClinVar contains an entry for this variant (Variation ID: 584510). This missense change has been observed in individual(s) with breast cancer (PMID: 29785153). This variant is not present in population databases (gnomAD no frequency).

GeneKor MSA
Classification: Uncertain significance for Hereditary cancer-predisposing syndrome. Last evaluated: 2018-08-01. Review status: criteria provided, single submitter. Criteria: ACMG Guidelines, 2015. Collection method: clinical testing. Allele origin: germline. Affected: yes.

Literature cited by the submitters: PubMed 29785153 (cited by Labcorp Genetics (formerly Invitae), Labcorp).

NM_000059.4(BRCA2):c.3547G>C (p.Glu1183Gln)

Gene: BRCA2 (BRCA2 DNA repair associated; plus strand). Cytogenetic location: 13q13.1.
Variant type: single nucleotide variant.
Coding change: c.3547G>C on transcript NM_000059.4 (MANE Select); coding-DNA position 3547, G replaced by C.
Protein change: p.Glu1183Gln; replaces glutamic acid 1183 with glutamine.
Molecular consequence: missense variant.
Genome position (GRCh38, 1-based): chr13:32,337,902, G>C. VCF-style: chr13-32337902-G-C. GRCh37 (hg19) VCF-style: chr13-32912039-G-C.
Other names: short protein forms E1183Q.
Identifiers: ClinVar variation 584510 (VCV000584510.9), dbSNP rs1566228768, ClinGen allele CA387777204.